The following is an entry in ClinVar:

NM_003978.5(PSTPIP1):c.1207G>T (p.Gly403Trp)

Gene: PSTPIP1 (proline-serine-threonine phosphatase interacting protein 1; plus strand). Cytogenetic location: 15q24.3.
Variant type: single nucleotide variant.
Coding change: c.1207G>T on transcript NM_003978.5 (MANE Select); coding-DNA position 1207, G replaced by T.
Protein change: p.Gly403Trp; replaces glycine 403 with tryptophan.
Molecular consequence: missense variant. On other transcripts: non-coding transcript variant (1).
Genome position (GRCh38, 1-based): chr15:77,037,132, G>T. VCF-style: chr15-77037132-G-T. GRCh37 (hg19) VCF-style: chr15-77329473-G-T.
Other names: c.1150G>T, p.Gly384Trp (NM_001321135.2); c.1180G>T, p.Gly394Trp (NM_001321136.2); c.1402G>T, p.Gly468Trp (NM_001321137.1); c.1198G>T, p.Gly400Trp (NM_001411086.1); short protein forms G403W, G468W, G400W, G384W, G394W.
Identifiers: ClinVar variation 4744996 (VCV004744996.1).

ClinVar aggregate classification (germline): Uncertain significance (1 of 4 stars; one submission).

Conditions:
Pyogenic arthritis-pyoderma gangrenosum-acne syndrome (PAPA). Also called: FAMILIAL RECURRENT ARTHRITIS; PAPA SYNDROME. Identifiers: Orphanet 69126, MedGen C1858361, MONDO:0011462, OMIM 604416.

Submission:

Labcorp Genetics (formerly Invitae), Labcorp
Classification: Uncertain significance for Pyogenic arthritis-pyoderma gangrenosum-acne syndrome. Last evaluated: 2025-12-17. Review status: criteria provided, single submitter. Criteria: Invitae Variant Classification Sherloc (09022015). Collection method: clinical testing. Allele origin: germline.
Comment: This sequence change replaces glycine, which is neutral and non-polar, with tryptophan, which is neutral and slightly polar, at codon 403 of the PSTPIP1 protein (p.Gly403Trp). This variant is not present in population databases (gnomAD no frequency). This variant has not been reported in the literature in individuals affected with PSTPIP1-related conditions. Invitae Evidence Modeling of protein sequence and biophysical properties (such as structural, functional, and spatial information, amino acid conservation, physicochemical variation, residue mobility, and thermodynamic stability) indicates that this missense variant is expected to disrupt PSTPIP1 protein function with a positive predictive value of 80%. In summary, the available evidence is currently insufficient to determine the role of this variant in disease. Therefore, it has been classified as a Variant of Uncertain Significance.